The following is an entry in ClinVar:

ClinVar aggregate classification (germline): Uncertain significance. Review status: criteria provided, multiple submitters, no conflicts (2 of 4 stars). 2 submissions from 2 submitters: Uncertain significance (2). Last evaluated 2026-01-19.

Conditions:
Ehlers-Danlos syndrome, classic type, 1 (EDSCL1). Also called: EHLERS-DANLOS SYNDROME, GRAVIS TYPE; EHLERS-DANLOS SYNDROME, SEVERE CLASSIC TYPE; Ehlers-Danlos syndrome, type 1; Ehlers-Danlos Syndrome, Classic Type, COL5A1-Related; EDS I. Identifiers: MedGen C0268335, MONDO:0019567, OMIM 130000.
Osteogenesis imperfecta type I (OI1). Also called: OI, TYPE I; OSTEOGENESIS IMPERFECTA TARDA; OSTEOGENESIS IMPERFECTA WITH BLUE SCLERAE; Osteogenesis imperfecta type 1; Lobstein's Disease; Lobstein disease. Identifiers: Orphanet 216796, Orphanet 666, MedGen C0023931, MONDO:0008146, OMIM 166200. Disease mechanism: loss of function.

Submissions (2):

Labcorp Genetics (formerly Invitae), Labcorp
Classification: Uncertain significance for Osteogenesis imperfecta type I; Ehlers-Danlos syndrome, classic type, 1. Last evaluated: 2026-01-19. Review status: criteria provided, single submitter. Criteria: Invitae Variant Classification Sherloc (09022015). Collection method: clinical testing. Allele origin: germline.
Comment: This sequence change replaces asparagine, which is neutral and polar, with threonine, which is neutral and polar, at codon 299 of the COL1A2 protein (p.Asn299Thr). This variant is not present in population databases (gnomAD no frequency). This missense change has been observed in individual(s) with osteogenesis imperfecta (PMID: 36703223). ClinVar contains an entry for this variant (Variation ID: 1419090). Invitae Evidence Modeling of protein sequence and biophysical properties (such as structural, functional, and spatial information, amino acid conservation, physicochemical variation, residue mobility, and thermodynamic stability) indicates that this missense variant is not expected to disrupt COL1A2 protein function with a negative predictive value of 95%. In summary, the available evidence is currently insufficient to determine the role of this variant in disease. Therefore, it has been classified as a Variant of Uncertain Significance.

Dubai Health Genomic Medicine Center, Dubai Health
Classification: Uncertain significance. Last evaluated: 2022-12-17. Review status: criteria provided, single submitter. Criteria: ACMG Guidelines, 2015. Collection method: clinical testing. Allele origin: germline. Affected: yes.

Literature cited by the submitters: PubMed 36703223 (cited by Labcorp Genetics (formerly Invitae), Labcorp).

NM_000089.4(COL1A2):c.896A>C (p.Asn299Thr)

Gene: COL1A2 (collagen type I alpha 2 chain; plus strand). Cytogenetic location: 7q21.3.
Variant type: single nucleotide variant.
Coding change: c.896A>C on transcript NM_000089.4 (MANE Select); coding-DNA position 896, A replaced by C.
Protein change: p.Asn299Thr; replaces asparagine 299 with threonine.
Molecular consequence: missense variant.
Genome position (GRCh38, 1-based): chr7:94,409,568, A>C. VCF-style: chr7-94409568-A-C. GRCh37 (hg19) VCF-style: chr7-94038880-A-C.
Other names: short protein forms N299T.
Identifiers: ClinVar variation 1419090 (VCV001419090.8), dbSNP rs2115893108, ClinGen allele CA368220735.